The following is an entry in ClinVar:

ClinVar aggregate classification (germline): Uncertain significance. Review status: criteria provided, multiple submitters, no conflicts (2 of 4 stars). 2 submissions from 2 submitters: Uncertain significance (2). Last evaluated 2024-10-23.

Submissions (2):

Blueprint Genetics
Classification: Uncertain significance. Last evaluated: 2024-10-23. Review status: criteria provided, single submitter. Criteria: ACMG Guidelines, 2015. Collection method: clinical testing. Allele origin: germline.

GeneDx
Classification: Uncertain significance. Last evaluated: 2024-10-23. Review status: criteria provided, single submitter. Criteria: GeneDx Variant Classification Process June 2021. Collection method: clinical testing. Allele origin: germline. Affected: yes.
Comment: Not observed at significant frequency in large population cohorts (gnomAD); In silico analysis indicates that this missense variant does not alter protein structure/function; Has not been previously published as pathogenic or benign to our knowledge

NM_000441.2(SLC26A4):c.850G>A (p.Ala284Thr)

Gene: SLC26A4 (solute carrier family 26 member 4; plus strand). Cytogenetic location: 7q22.3.
Variant type: single nucleotide variant.
Coding change: c.850G>A on transcript NM_000441.2 (MANE Select); coding-DNA position 850, G replaced by A.
Protein change: p.Ala284Thr; replaces alanine 284 with threonine.
Molecular consequence: missense variant.
Genome position (GRCh38, 1-based): chr7:107,683,286, G>A. VCF-style: chr7-107683286-G-A. GRCh37 (hg19) VCF-style: chr7-107323731-G-A.
Other names: short protein forms A284T.
Identifiers: ClinVar variation 3893304 (VCV003893304.2).